The following is an entry in ClinVar:

ClinVar aggregate classification (germline): Uncertain significance (1 of 4 stars; one submission).

Conditions:
RASopathy. Also called: Noonan spectrum disorder; rasopathies. Identifiers: Orphanet 536391, MedGen C5555857, MONDO:0021060.

Submission:

Labcorp Genetics (formerly Invitae), Labcorp
Classification: Uncertain significance for RASopathy. Last evaluated: 2025-05-17. Review status: criteria provided, single submitter. Criteria: Invitae Variant Classification Sherloc (09022015). Collection method: clinical testing. Allele origin: germline.
Comment: This sequence change replaces alanine, which is neutral and non-polar, with glutamic acid, which is acidic and polar, at codon 396 of the SOS1 protein (p.Ala396Glu). This variant is not present in population databases (gnomAD no frequency). This variant has not been reported in the literature in individuals affected with SOS1-related conditions. Invitae Evidence Modeling of protein sequence and biophysical properties (such as structural, functional, and spatial information, amino acid conservation, physicochemical variation, residue mobility, and thermodynamic stability) has been performed for this missense variant. However, the output from this modeling did not meet the statistical confidence thresholds required to predict the impact of this variant on SOS1 protein function. In summary, the available evidence is currently insufficient to determine the role of this variant in disease. Therefore, it has been classified as a Variant of Uncertain Significance.

NM_005633.4(SOS1):c.1187C>A (p.Ala396Glu)

Gene: SOS1 (SOS Ras/Rac guanine nucleotide exchange factor 1; minus strand). Cytogenetic location: 2p22.1.
Variant type: single nucleotide variant.
Coding change: c.1187C>A on transcript NM_005633.4 (MANE Select); coding-DNA position 1187, C replaced by A.
Protein change: p.Ala396Glu; replaces alanine 396 with glutamic acid.
Molecular consequence: missense variant.
Genome position (GRCh38, 1-based): chr2:39,024,025, G>T on the plus strand (C>A on the coding strand, the complement: SOS1 is on the minus strand). VCF-style: chr2-39024025-G-T. GRCh37 (hg19) VCF-style: chr2-39251166-G-T.
Other names: c.1166C>A, p.Ala389Glu (NM_001382394.1); c.1187C>A, p.Ala396Glu (NM_001382395.1); short protein forms A389E, A396E.
Identifiers: ClinVar variation 4708902 (VCV004708902.1).